The following is an entry in ClinVar:

ClinVar aggregate classification (germline): Pathogenic/Likely pathogenic. Review status: criteria provided, multiple submitters, no conflicts (2 of 4 stars). 4 submissions from 4 submitters: Pathogenic (3); Likely pathogenic (1). Last evaluated 2025-09-04.

Conditions:
Glycogen storage disease, type V (GSD5). Also called: MUSCLE GLYCOGEN PHOSPHORYLASE DEFICIENCY; MYOPHOSPHORYLASE DEFICIENCY; PYGM DEFICIENCY; McArdle type glycogen storage disease; MCARDLE DISEASE. Identifiers: Orphanet 368, MedGen C0017924, MONDO:0009293, OMIM 232600.

Allele frequency attached by ClinVar (database versions not stated): gnomAD exomes below 0.00001; TOPMed below 0.00001; gnomAD 0.00001.

Submissions (4):

Natera, Inc.
Classification: Pathogenic for Glycogen storage disease V. Last evaluated: 2025-09-04. Review status: criteria provided, single submitter. Criteria: Natera Variant Classification Schema (03/2026). Collection method: clinical testing. Allele origin: germline.
Comment: The c.549G>A variant in PYGM is a nonsense variant predicted to introduce a stop codon at amino acid 183. This variant is expected to result in nonsense mediated decay, truncation, or a dysfunctional protein product. This variant is rare in the general population with a frequency below the threshold expected for the associated phenotype(s). This variant has been observed in one or more individuals affected with the associated recessive disease, as either homozygous or compound heterozygous with a second variant (PMID: 34534370). Given the available evidence, this variant is classified as Pathogenic.

Women's Health and Genetics/Laboratory Corporation of America, LabCorp
Classification: Pathogenic for Glycogen storage disease, type V. Last evaluated: 2024-10-23. Review status: criteria provided, single submitter. Criteria: LabCorp Variant Classification Summary - May 2015. Collection method: clinical testing. Allele origin: germline.
Comment: Variant summary: PYGM c.549G>A (p.Trp183X) results in a premature termination codon, predicted to cause a truncation of the encoded protein or absence of the protein due to nonsense mediated decay, which are commonly known mechanisms for disease. The variant was absent in 251210 control chromosomes. c.549G>A has been reported in the literature in a compound heterozygous individual affected with Glycogen Storage Disease, Type V (Pizzamiglio_2021). To our knowledge, no experimental evidence demonstrating an impact on protein function has been reported. The following publication have been ascertained in the context of this evaluation (PMID: 34534370). ClinVar contains an entry for this variant (Variation ID: 1407712). Based on the evidence outlined above, the variant was classified as pathogenic.

Baylor Genetics
Classification: Likely pathogenic for Glycogen storage disease, type V. Last evaluated: 2023-03-15. Review status: criteria provided, single submitter. Criteria: ACMG Guidelines, 2015. Collection method: clinical testing. Allele origin: unknown.

Labcorp Genetics (formerly Invitae), Labcorp
Classification: Pathogenic for Glycogen storage disease, type V. Last evaluated: 2023-02-22. Review status: criteria provided, single submitter. Criteria: Invitae Variant Classification Sherloc (09022015). Collection method: clinical testing. Allele origin: germline.
Comment: For these reasons, this variant has been classified as Pathogenic. ClinVar contains an entry for this variant (Variation ID: 1407712). This premature translational stop signal has been observed in individual(s) with McArdle disease (PMID: 34534370). This variant is not present in population databases (gnomAD no frequency). This sequence change creates a premature translational stop signal (p.Trp183*) in the PYGM gene. It is expected to result in an absent or disrupted protein product. Loss-of-function variants in PYGM are known to be pathogenic (PMID: 8316268, 16786513).

Literature cited by the submitters: PubMed 34534370 (cited by 3 submitters); PubMed 8316268 (cited by Labcorp Genetics (formerly Invitae), Labcorp); PubMed 16786513 (cited by Labcorp Genetics (formerly Invitae), Labcorp).

NM_005609.4(PYGM):c.549G>A (p.Trp183Ter)

Gene: PYGM (glycogen phosphorylase, muscle associated; minus strand). Cytogenetic location: 11q13.1.
Variant type: single nucleotide variant.
Coding change: c.549G>A on transcript NM_005609.4 (MANE Select); coding-DNA position 549, G replaced by A.
Protein change: p.Trp183Ter; replaces tryptophan 183 with a stop codon.
Molecular consequence: nonsense.
Genome position (GRCh38, 1-based): chr11:64,757,890, C>T on the plus strand (G>A on the coding strand, the complement: PYGM is on the minus strand). VCF-style: chr11-64757890-C-T. GRCh37 (hg19) VCF-style: chr11-64525362-C-T.
Other names: c.285G>A, p.Trp95Ter (NM_001164716.1); c.549G>A (NM_005609.3); short protein forms W95*, W183*.
Identifiers: ClinVar variation 1407712 (VCV001407712.9), dbSNP rs1223885403, ClinGen allele CA381108021.